The following is an entry in ClinVar:

NM_001844.5(COL2A1):c.1052G>A (p.Gly351Asp)

Gene: COL2A1 (collagen type II alpha 1 chain; minus strand). Cytogenetic location: 12q13.11.
Variant type: single nucleotide variant.
Coding change: c.1052G>A on transcript NM_001844.5 (MANE Select); coding-DNA position 1052, G replaced by A.
Protein change: p.Gly351Asp; replaces glycine 351 with aspartic acid.
Molecular consequence: missense variant.
Genome position (GRCh38, 1-based): chr12:47,989,777, C>T on the plus strand (G>A on the coding strand, the complement: COL2A1 is on the minus strand). VCF-style: chr12-47989777-C-T. GRCh37 (hg19) VCF-style: chr12-48383560-C-T.
Other names: c.845G>A, p.Gly282Asp (NM_033150.3); short protein forms G282D, G351D.
Identifiers: ClinVar variation 5020017 (VCV005020017.1).

ClinVar aggregate classification (germline): Likely pathogenic (1 of 4 stars; one submission).

Conditions:
Spondyloepiphyseal dysplasia with metatarsal shortening. Also called: CZECH DYSPLASIA, METATARSAL TYPE; SPONDYLOEPIPHYSEAL DYSPLASIA WITH PRECOCIOUS OSTEOARTHRITIS; Pseudorheumatoid dysplasia progressive, with hypoplastic toes. Identifiers: Orphanet 137678, MedGen C1836683, MONDO:0012206, OMIM 609162.
Spondyloperipheral dysplasia. Also called: SPONDYLOPERIPHERAL DYSPLASIA WITH SHORT ULNA; Spondyloperipheral dysplasia-short ulna syndrome. Identifiers: Orphanet 1856, MedGen C0796173, MONDO:0010078, OMIM 271700.
Stickler syndrome type 1 (STL1). Also called: STICKLER SYNDROME, MEMBRANOUS VITREOUS TYPE; STICKLER SYNDROME, VITREOUS TYPE 1; ARTHROOPHTHALMOPATHY, HEREDITARY PROGRESSIVE; COL2A1-Related Stickler Syndrome. Identifiers: Orphanet 828, Orphanet 90653, MedGen C2020284, MONDO:0007160, OMIM 108300.
Platyspondylic dysplasia, Torrance type (PLSDT). Identifiers: Orphanet 85166, MedGen C1835437, MONDO:0007895, OMIM 151210.
Achondrogenesis type II (ACG2). Also called: CHONDROGENESIS IMPERFECTA; ACHONDROGENESIS, LANGER-SALDINO TYPE. Identifiers: Orphanet 932, Orphanet 93296, MedGen C0220685, MONDO:0008702, OMIM 200610.
Spondyloepimetaphyseal dysplasia, Strudwick type (SEMDSTWK). Also called: STRUDWICK SYNDROME; DAPPLED METAPHYSIS SYNDROME. Identifiers: Orphanet 93346, MedGen C0700635, MONDO:0008476, OMIM 184250.
Avascular necrosis of femoral head, primary, 1 (ANFH1). Also called: Avascular necrosis of femoral head, primary. Identifiers: Orphanet 86820, MedGen C4551562, MONDO:0054550, OMIM 608805.
Legg-Calve-Perthes disease. Also called: Avascular necrosis of the capital femoral epiphysis; PERTHES DISEASE; Osteochondritis deformans; Coxa plana. Identifiers: Orphanet 2380, MedGen C1442965, MONDO:0007885, OMIM 150600, HP:0005743.
Spondylometaphyseal dysplasia, Schmidt type (SMDALG). Also called: SPONDYLOMETAPHYSEAL DYSPLASIA WITH SEVERE GENU VALGUM; SPONDYLOMETAPHYSEAL DYSPLASIA, ALGERIAN TYPE. Identifiers: Orphanet 93316, MedGen C1866688, MONDO:0008478, OMIM 184253.
Stickler syndrome, type I, nonsyndromic ocular. Also called: STICKLER SYNDROME, TYPE I, PREDOMINANTLY OCULAR; STICKLER SYNDROME, ATYPICAL. Identifiers: MedGen C1836080, MONDO:0012287, OMIM 609508.
Vitreoretinopathy with phalangeal epiphyseal dysplasia (VPED). Identifiers: MedGen C1852989, MONDO:0031001, OMIM 619248.
Kniest dysplasia. Identifiers: Orphanet 485, MedGen C0265279, MONDO:0007987, OMIM 156550.
Spondyloepiphyseal dysplasia, Stanescu type. Also called: SED, STANESCU TYPE; SPONDYLOEPIMETAPHYSEAL DYSPLASIA, STANESCU TYPE. Identifiers: Orphanet 459051, MedGen C4225273, MONDO:0014701, OMIM 616583.
Spondyloepiphyseal dysplasia congenita (SEDC). Also called: SPONDYLOEPIPHYSEAL DYSPLASIA, CONGENITAL TYPE; SED CONGENITA. Identifiers: Orphanet 94068, MedGen C2745959, MONDO:0008471, OMIM 183900.
Multiple epiphyseal dysplasia, Beighton type. Identifiers: Orphanet 166011, MedGen C1851536, MONDO:0007562, OMIM 132450.
Namaqualand hip dysplasia (OSCDP). Also called: Mild spondyloepiphyseal dysplasia due to COL2A1 mutation with early-onset osteoarthritis. Identifiers: Orphanet 93279, MedGen C0432214, MONDO:0011496, OMIM 604864.

Submission:

Juno Genomics, Hangzhou Juno Genomics, Inc
Classification: Likely pathogenic for Spondyloepiphyseal dysplasia congenita; Spondyloepiphyseal dysplasia, Stanescu type; Spondyloperipheral dysplasia; Stickler syndrome type 1; Stickler syndrome, type I, nonsyndromic ocular; Spondylometaphyseal dysplasia, Schmidt type; Multiple epiphyseal dysplasia, Beighton type; Vitreoretinopathy with phalangeal epiphyseal dysplasia; Achondrogenesis type II; Avascular necrosis of femoral head, primary, 1; Spondyloepimetaphyseal dysplasia, Strudwick type; Spondyloepiphyseal dysplasia with metatarsal shortening; Kniest dysplasia; Legg-Calve-Perthes disease; Namaqualand hip dysplasia; Platyspondylic dysplasia, Torrance type. Review status: criteria provided, single submitter. Criteria: ACMG Guidelines, 2015. Collection method: clinical testing. Allele origin: germline. Affected: yes.
Comment: Absent from controls (or at extremely low frequency if recessive) in Genome Aggregation Database.;De novo (both maternity and paternity confirmed) in a patient with the disease and no family history.;Multiple lines of computational evidence support a deleterious effect on the gene or gene product.;Missense variant in a gene that has a low rate of benign missense variation.;Novel missense change at an amino acid residue where a different missense change determined to be pathogenic has been seen before.